The following is an entry in ClinVar:

ClinVar aggregate classification (germline): Uncertain significance (1 of 4 stars; one submission).

Conditions:
Hereditary nonpolyposis colorectal neoplasms. Identifiers: MedGen C0009405, MeSH D003123.

Submission:

Labcorp Genetics (formerly Invitae), Labcorp
Classification: Uncertain significance for Hereditary nonpolyposis colorectal neoplasms. Last evaluated: 2024-09-12. Review status: criteria provided, single submitter. Criteria: Invitae Variant Classification Sherloc (09022015). Collection method: clinical testing. Allele origin: germline.
Comment: This sequence change replaces tyrosine, which is neutral and polar, with asparagine, which is neutral and polar, at codon 505 of the MSH6 protein (p.Tyr505Asn). This variant is not present in population databases (gnomAD no frequency). This variant has not been reported in the literature in individuals affected with MSH6-related conditions. Invitae Evidence Modeling of protein sequence and biophysical properties (such as structural, functional, and spatial information, amino acid conservation, physicochemical variation, residue mobility, and thermodynamic stability) indicates that this missense variant is not expected to disrupt MSH6 protein function with a negative predictive value of 95%. In summary, the available evidence is currently insufficient to determine the role of this variant in disease. Therefore, it has been classified as a Variant of Uncertain Significance.

NM_000179.3(MSH6):c.1513T>A (p.Tyr505Asn)

Gene: MSH6 (mutS homolog 6; plus strand). Cytogenetic location: 2p16.3.
Variant type: single nucleotide variant.
Coding change: c.1513T>A on transcript NM_000179.3 (MANE Select); coding-DNA position 1513, T replaced by A.
Protein change: p.Tyr505Asn; replaces tyrosine 505 with asparagine.
Molecular consequence: missense variant. On other transcripts: non-coding transcript variant (4), intron variant (1).
Genome position (GRCh38, 1-based): chr2:47,799,496, T>A. VCF-style: chr2-47799496-T-A. GRCh37 (hg19) VCF-style: chr2-48026635-T-A.
Other names: c.1216T>A, p.Tyr406Asn (NM_001406821.1, NM_001406822.1, NM_001406824.1 and 10 more transcripts); c.607T>A, p.Tyr203Asn (NM_001406823.1, NM_001406829.1, NM_001406811.1 and 6 more transcripts); c.1345T>A, p.Tyr449Asn (NM_001406826.1); c.628-1170T>A (NM_001407362.1); c.1519T>A, p.Tyr507Asn (NM_001406813.1); c.1513T>A, p.Tyr505Asn (NM_001406817.1, NM_001406808.1, NM_001406809.1 and 4 more transcripts); c.1435T>A, p.Tyr479Asn (NM_001406804.1); c.988T>A, p.Tyr330Asn (NM_001406806.1, NM_001406807.1, NM_001406799.1); and 2 more; short protein forms Y203N, Y330N, Y375N, Y406N, Y449N, Y479N, Y505N, Y507N.
Identifiers: ClinVar variation 3626462 (VCV003626462.2).